The following is an entry in ClinVar:

ClinVar aggregate classification (germline): Pathogenic (1 of 4 stars; one submission).

Conditions:
Glycogen storage disease type III (GSD3). Also called: Cori disease; FORBES DISEASE. Identifiers: Orphanet 366, MedGen C0017922, MONDO:0009291, OMIM 232400.

Submission:

Labcorp Genetics (formerly Invitae), Labcorp
Classification: Pathogenic for Glycogen storage disease type III. Last evaluated: 2023-04-28. Review status: criteria provided, single submitter. Criteria: Invitae Variant Classification Sherloc (09022015). Collection method: clinical testing. Allele origin: germline.
Comment: For these reasons, this variant has been classified as Pathogenic. This variant has not been reported in the literature in individuals affected with AGL-related conditions. This variant is not present in population databases (gnomAD no frequency). This sequence change creates a premature translational stop signal (p.Gln741*) in the AGL gene. It is expected to result in an absent or disrupted protein product. Loss-of-function variants in AGL are known to be pathogenic (PMID: 19299494).

Literature cited by the submitters: PubMed 19299494.

NM_000642.3(AGL):c.2221C>T (p.Gln741Ter)

Gene: AGL (amylo-alpha-1,6-glucosidase and 4-alpha-glucanotransferase; plus strand). Cytogenetic location: 1p21.2.
Variant type: single nucleotide variant.
Coding change: c.2221C>T on transcript NM_000642.3 (MANE Select); coding-DNA position 2221, C replaced by T.
Protein change: p.Gln741Ter; replaces glutamine 741 with a stop codon.
Molecular consequence: nonsense.
Genome position (GRCh38, 1-based): chr1:99,881,604, C>T. VCF-style: chr1-99881604-C-T. GRCh37 (hg19) VCF-style: chr1-100347160-C-T.
Other names: c.2221C>T, p.Gln741Ter (NM_000028.3, NM_000643.3, NM_000644.3 and 2 more transcripts); c.2173C>T, p.Gln725Ter (NM_000646.3); c.2020C>T, p.Gln674Ter (NM_001425327.1); c.2017C>T, p.Gln673Ter (NM_001425328.1, NM_001425329.1); c.1843C>T, p.Gln615Ter (NM_001425332.1); short protein forms Q615*, Q673*, Q674*, Q741*, Q725*.
Identifiers: ClinVar variation 2847627 (VCV002847627.3), dbSNP rs2524654201, ClinGen allele CA341319880.